The following is an entry in ClinVar:

ClinVar aggregate classification (germline): Uncertain significance (0 of 4 stars; one submission).

Conditions:
AFF4-related disorder. Also called: AFF4-related condition.

Submission:

PreventionGenetics, part of Exact Sciences
Classification: Uncertain significance for AFF4-related condition. Last evaluated: 2024-09-04. Review status: no assertion criteria provided. Collection method: clinical testing. Allele origin: germline.
Comment: The AFF4 c.488G>A variant is predicted to result in the amino acid substitution p.Ser163Asn. To our knowledge, this variant has not been reported in the literature. This variant is reported in 0.0029% of alleles in individuals of Latino descent in gnomAD. At this time, the clinical significance of this variant is uncertain due to the absence of conclusive functional and genetic evidence.

NM_014423.4(AFF4):c.488G>A (p.Ser163Asn)

Gene: AFF4 (ALF transcription elongation factor 4; minus strand). Cytogenetic location: 5q31.1.
Variant type: single nucleotide variant.
Coding change: c.488G>A on transcript NM_014423.4 (MANE Select); coding-DNA position 488, G replaced by A.
Protein change: p.Ser163Asn; replaces serine 163 with asparagine.
Molecular consequence: missense variant.
Genome position (GRCh38, 1-based): chr5:132,934,577, C>T on the plus strand (G>A on the coding strand, the complement: AFF4 is on the minus strand). VCF-style: chr5-132934577-C-T. GRCh37 (hg19) VCF-style: chr5-132270269-C-T.
Other names: short protein forms S163N.
Identifiers: ClinVar variation 3351091 (VCV003351091.1).